The following is an entry in ClinVar:

NM_001005242.3(PKP2):c.1779C>G (p.Ile593Met)

Gene: PKP2 (plakophilin 2; minus strand). Cytogenetic location: 12p11.21.
Variant type: single nucleotide variant.
Coding change: c.1779C>G on transcript NM_001005242.3 (MANE Select); coding-DNA position 1779, C replaced by G.
Protein change: p.Ile593Met; replaces isoleucine 593 with methionine.
Molecular consequence: missense variant. On other transcripts: intron variant (1).
Genome position (GRCh38, 1-based): chr12:32,822,527, G>C on the plus strand (C>G on the coding strand, the complement: PKP2 is on the minus strand). VCF-style: chr12-32822527-G-C. GRCh37 (hg19) VCF-style: chr12-32975461-G-C.
Other names: c.1779C>G, p.Ile593Met (NM_001407155.1, NM_001407161.1); c.1911C>G, p.Ile637Met (NM_001407157.1, NM_004572.4); c.1452C>G, p.Ile484Met (NM_001407158.1, NM_001407159.1, NM_001407160.1 and 1 more transcripts); c.1675-998C>G (NM_001407156.1); short protein forms I484M, I593M, I637M.
Identifiers: ClinVar variation 3224320 (VCV003224320.3), dbSNP rs2137777449, ClinGen allele CA384362982.
Genomic context (GRCh38, chr12:32,822,527, plus strand): 5'-CTCTTTTACTTTCCTGCTTCGACTGCCAAAACATCCAATACTTTTGTTGTTGTCAGTCTG[G>C]ATATTCCGGTTTTGAATATAGATATTCTGGGAATATTTCTCTGGGAGCTCTGCCTCCAGC-3'
Protein context (NP_001005242.2, residues 583-603): SQNIYIQNRN[Ile593Met]QTDNNKSIGC

ClinVar aggregate classification (germline): Uncertain significance. Review status: criteria provided, multiple submitters, no conflicts (2 of 4 stars). 2 submissions from 2 submitters: Uncertain significance (2). Last evaluated 2024-07-23.

Conditions:
Arrhythmogenic right ventricular dysplasia 9 (ARVD9). Also called: ARRHYTHMOGENIC RIGHT VENTRICULAR DYSPLASIA, FAMILIAL, 9; Arrhythmogenic Right Ventricular Dysplasia/Cardiomyopathy 9. Identifiers: MedGen C1836906, MONDO:0012180, OMIM 609040.
Cardiovascular phenotype. Identifiers: MedGen CN230736.

Submissions (2):

Labcorp Genetics (formerly Invitae), Labcorp
Classification: Uncertain significance for Arrhythmogenic right ventricular dysplasia 9. Last evaluated: 2024-07-23. Review status: criteria provided, single submitter. Criteria: Invitae Variant Classification Sherloc (09022015). Collection method: clinical testing. Allele origin: germline.
Comment: This sequence change replaces isoleucine, which is neutral and non-polar, with methionine, which is neutral and non-polar, at codon 637 of the PKP2 protein (p.Ile637Met). This variant is not present in population databases (gnomAD no frequency). This variant has not been reported in the literature in individuals affected with PKP2-related conditions. An algorithm developed to predict the effect of missense changes on protein structure and function (PolyPhen-2) suggests that this variant is likely to be tolerated. In summary, the available evidence is currently insufficient to determine the role of this variant in disease. Therefore, it has been classified as a Variant of Uncertain Significance.

Ambry Genetics
Classification: Uncertain significance for Cardiovascular phenotype. Last evaluated: 2023-12-31. Review status: criteria provided, single submitter. Criteria: Ambry Variant Classification Scheme 2023. Collection method: clinical testing. Allele origin: germline.
Comment: The p.I637M variant (also known as c.1911C>G), located in coding exon 9 of the PKP2 gene, results from a C to G substitution at nucleotide position 1911. The isoleucine at codon 637 is replaced by methionine, an amino acid with highly similar properties. This amino acid position is conserved. In addition, this alteration is predicted to be tolerated by in silico analysis. Since supporting evidence is limited at this time, the clinical significance of this alteration remains unclear.